The following is an entry in ClinVar:

NM_003106.4(SOX2):c.160G>T (p.Gly54Trp)

Genes: SOX2-OT (SOX2 overlapping transcript; plus strand), SOX2 (SRY-box transcription factor 2; plus strand), LOC108281177 (SOX2 5' regulatory region; plus strand). Cytogenetic location: 3q26.33.
Variant type: single nucleotide variant.
Coding change: c.160G>T on transcript NM_003106.4 (MANE Select); coding-DNA position 160, G replaced by T.
Protein change: p.Gly54Trp; replaces glycine 54 with tryptophan.
Molecular consequence: missense variant.
Genome position (GRCh38, 1-based): chr3:181,712,520, G>T. VCF-style: chr3-181712520-G-T. GRCh37 (hg19) VCF-style: chr3-181430308-G-T.
Other names: short protein forms G54W.
Identifiers: ClinVar variation 2577750 (VCV002577750.1), dbSNP rs2108521666, ClinGen allele CA355473257.

ClinVar aggregate classification (germline): Uncertain significance (1 of 4 stars; one submission).

Submission:

GeneDx
Classification: Uncertain significance. Last evaluated: 2023-02-23. Review status: criteria provided, single submitter. Criteria: GeneDx Variant Classification Process June 2021. Collection method: clinical testing. Allele origin: germline. Affected: yes.
Comment: Not observed at significant frequency in large population cohorts (gnomAD); In silico analysis supports that this missense variant has a deleterious effect on protein structure/function; Has not been previously published as pathogenic or benign to our knowledge